The following is an entry in ClinVar:

NM_001379110.1(SLC9A6):c.-57+48G>A

Genes: SLC9A6 (solute carrier family 9 member A6; plus strand), LOC130068746 (ATAC-STARR-seq lymphoblastoid silent region 21025; plus strand). Cytogenetic location: Xq26.3.
Variant type: single nucleotide variant.
Coding change: c.-57+48G>A on transcript NM_001379110.1 (MANE Select); 48 bases into the intron after 57 bases upstream of the start codon, G replaced by A.
Molecular consequence: intron variant. On other transcripts: missense variant (2).
Genome position (GRCh38, 1-based): chrX:135,985,525, G>A. VCF-style: chrX-135985525-G-A. GRCh37 (hg19) VCF-style: chrX-135067684-G-A.
Other names: c.23G>A, p.Arg8Gln (NM_001042537.2, NM_006359.3); c.-35-99G>A (NM_001400909.1); c.-56-78G>A (NM_001400910.1, NM_001400911.1); c.-57+48G>A (NM_001177651.2, NM_001400913.1); c.-57+53G>A (NM_001400912.1, NM_001330652.2); short protein forms R8Q.
Identifiers: ClinVar variation 3371540 (VCV003371540.1).

ClinVar aggregate classification (germline): Uncertain significance (1 of 4 stars; one submission).

Submission:

GeneDx
Classification: Uncertain significance. Last evaluated: 2024-03-25. Review status: criteria provided, single submitter. Criteria: GeneDx Variant Classification Process June 2021. Collection method: clinical testing. Allele origin: germline. Affected: yes.
Comment: Not observed at significant frequency in large population cohorts (gnomAD); In silico analysis supports that this missense variant does not alter protein structure/function; Has not been previously published as pathogenic or benign to our knowledge